The following is an entry in ClinVar:

NM_133433.4(NIPBL):c.2392G>C (p.Ala798Pro)

Gene: NIPBL (NIPBL cohesin loading factor; plus strand). Cytogenetic location: 5p13.2.
Variant type: single nucleotide variant.
Coding change: c.2392G>C on transcript NM_133433.4 (MANE Select); coding-DNA position 2392, G replaced by C.
Protein change: p.Ala798Pro; replaces alanine 798 with proline.
Molecular consequence: missense variant.
Genome position (GRCh38, 1-based): chr5:36,985,572, G>C. VCF-style: chr5-36985572-G-C. GRCh37 (hg19) VCF-style: chr5-36985674-G-C.
Other names: c.2392G>C, p.Ala798Pro (NM_015384.5); short protein forms A798P.
Identifiers: ClinVar variation 2778834 (VCV002778834.3), dbSNP rs2477930819, ClinGen allele CA359501030.
Genomic context (GRCh38, chr5:36,985,572, plus strand): 5'-GAAGTGTCTAAACATAAACAAGATACTAAATCTGACTCACCTCGGTTAAAATCAGAACGA[G>C]CTGAAGCCTTAAAGCAGAGACCTGATGGGCGATCTGTTTCTGAGTCACTAAGACGTGACC-3'
Protein context (NP_597677.2, residues 788-808): SDSPRLKSER[Ala798Pro]EALKQRPDGR

ClinVar aggregate classification (germline): Uncertain significance (1 of 4 stars; one submission).

Conditions:
Cornelia de Lange syndrome 1 (CDLS1). Also called: TYPUS DEGENERATIVUS AMSTELODAMENSIS; Brachmann de Lange syndrome; NIPBL-Related Cornelia de Lange Syndrome. Identifiers: Orphanet 199, MedGen C4551851, MONDO:0007387, OMIM 122470.

Submission:

Labcorp Genetics (formerly Invitae), Labcorp
Classification: Uncertain significance for Cornelia de Lange syndrome 1. Last evaluated: 2023-07-22. Review status: criteria provided, single submitter. Criteria: Invitae Variant Classification Sherloc (09022015). Collection method: clinical testing. Allele origin: germline.
Comment: This sequence change replaces alanine, which is neutral and non-polar, with proline, which is neutral and non-polar, at codon 798 of the NIPBL protein (p.Ala798Pro). This variant is not present in population databases (gnomAD no frequency). This variant has not been reported in the literature in individuals affected with NIPBL-related conditions. Advanced modeling of protein sequence and biophysical properties (such as structural, functional, and spatial information, amino acid conservation, physicochemical variation, residue mobility, and thermodynamic stability) performed at Invitae indicates that this missense variant is not expected to disrupt NIPBL protein function. In summary, the available evidence is currently insufficient to determine the role of this variant in disease. Therefore, it has been classified as a Variant of Uncertain Significance.